The following is an entry in ClinVar:

NM_015046.7(SETX):c.1508G>A (p.Ser503Asn)

Gene: SETX (senataxin; minus strand). Cytogenetic location: 9q34.13.
Variant type: single nucleotide variant.
Coding change: c.1508G>A on transcript NM_015046.7 (MANE Select); coding-DNA position 1508, G replaced by A.
Protein change: p.Ser503Asn; replaces serine 503 with asparagine.
Molecular consequence: missense variant.
Genome position (GRCh38, 1-based): chr9:132,330,090, C>T on the plus strand (G>A on the coding strand, the complement: SETX is on the minus strand). VCF-style: chr9-132330090-C-T. GRCh37 (hg19) VCF-style: chr9-135205477-C-T.
Other names: c.1508G>A, p.Ser503Asn (NM_001351527.2, NM_001351528.2); short protein forms S503N.
Identifiers: ClinVar variation 426737 (VCV000426737.2), dbSNP rs1085307770, ClinGen allele CA375342949.

ClinVar aggregate classification (germline): Uncertain significance (1 of 4 stars; one submission).

Submission:

GeneDx
Classification: Uncertain significance. Last evaluated: 2017-04-06. Review status: criteria provided, single submitter. Criteria: GeneDx Variant Classification (06012015). Collection method: clinical testing. Allele origin: germline. Affected: yes.
Comment: The S503N variant in the SETX gene has not been reported previously as a pathogenic variant, nor as a benign variant, to our knowledge. The S503N variant is not observed in large population cohorts (Lek et al., 2016; 1000 Genomes Consortium et al., 2015; Exome Variant Server). The S503N variant is a conservative amino acid substitution, which occurs at a position that is not conserved. In silico analysis is inconsistent in its predictions as to whether or not the variant is damaging to the protein structure/function. We interpret S503N as a variant of uncertain significance